The following is an entry in ClinVar:

ClinVar aggregate classification (germline): Uncertain significance (1 of 4 stars; one submission).

Submission:

Ambry Genetics
Classification: Uncertain significance. Last evaluated: 2022-08-02. Review status: criteria provided, single submitter. Criteria: Ambry Variant Classification Scheme 2023. Collection method: clinical testing. Allele origin: germline.
Comment: The p.S3500R variant (also known as c.10500C>G), located in coding exon 74 of the PRKDC gene, results from a C to G substitution at nucleotide position 10500. The serine at codon 3500 is replaced by arginine, an amino acid with dissimilar properties. This amino acid position is conserved. In addition, this alteration is predicted to be deleterious by in silico analysis. Since supporting evidence is limited at this time, the clinical significance of this alteration remains unclear.

NM_006904.7(PRKDC):c.10500C>G (p.Ser3500Arg)

Gene: PRKDC (protein kinase, DNA-activated, catalytic subunit; minus strand). Cytogenetic location: 8q11.21.
Variant type: single nucleotide variant.
Coding change: c.10500C>G on transcript NM_006904.7 (MANE Select); coding-DNA position 10500, C replaced by G.
Protein change: p.Ser3500Arg; replaces serine 3500 with arginine.
Molecular consequence: missense variant.
Genome position (GRCh38, 1-based): chr8:47,794,460, G>C on the plus strand (C>G on the coding strand, the complement: PRKDC is on the minus strand). VCF-style: chr8-47794460-G-C. GRCh37 (hg19) VCF-style: chr8-48707021-G-C.
Other names: c.10500C>G, p.Ser3500Arg (NM_001081640.2); short protein forms S3500R.
Identifiers: ClinVar variation 1776785 (VCV001776785.2), dbSNP rs180843988, ClinGen allele CA371134254.